The following is an entry in ClinVar:

ClinVar aggregate classification (germline): Uncertain significance (1 of 4 stars; one submission).

Conditions:
Cranium bifidum occultum. Also called: Enlarged Parietal Foramina; CATLIN MARKS; CRANIUM BIFIDUM, HEREDITARY. Identifiers: MedGen C1868598, HP:0004423.

gnomAD v4.1: 1 of 1,603,814 alleles (0.000062%); highest among the groups gnomAD compares: Non-Finnish European, 0.000085%; no homozygotes.

Submission:

Labcorp Genetics (formerly Invitae), Labcorp
Classification: Uncertain significance for Cranium bifidum occultum. Last evaluated: 2024-11-05. Review status: criteria provided, single submitter. Criteria: Invitae Variant Classification Sherloc (09022015). Collection method: clinical testing. Allele origin: germline.
Comment: This sequence change replaces alanine, which is neutral and non-polar, with proline, which is neutral and non-polar, at codon 102 of the MSX2 protein (p.Ala102Pro). This variant is not present in population databases (gnomAD no frequency). This variant has not been reported in the literature in individuals affected with MSX2-related conditions. ClinVar contains an entry for this variant (Variation ID: 2741449). Invitae Evidence Modeling of protein sequence and biophysical properties (such as structural, functional, and spatial information, amino acid conservation, physicochemical variation, residue mobility, and thermodynamic stability) indicates that this missense variant is not expected to disrupt MSX2 protein function with a negative predictive value of 80%. In summary, the available evidence is currently insufficient to determine the role of this variant in disease. Therefore, it has been classified as a Variant of Uncertain Significance.

NM_002449.5(MSX2):c.304G>C (p.Ala102Pro)

Gene: MSX2 (msh homeobox 2; plus strand). Cytogenetic location: 5q35.2.
Variant type: single nucleotide variant.
Coding change: c.304G>C on transcript NM_002449.5 (MANE Select); coding-DNA position 304, G replaced by C.
Protein change: p.Ala102Pro; replaces alanine 102 with proline.
Molecular consequence: missense variant.
Genome position (GRCh38, 1-based): chr5:174,724,963, G>C. VCF-style: chr5-174724963-G-C. GRCh37 (hg19) VCF-style: chr5-174151966-G-C.
Other names: c.304G>C, p.Ala102Pro (NM_001363626.2); short protein forms A102P.
Identifiers: ClinVar variation 2741449 (VCV002741449.3), dbSNP rs772051040, ClinGen allele CA362229527.